The following is an entry in ClinVar:

ClinVar aggregate classification (germline): Uncertain significance (0 of 4 stars; one submission).

Conditions:
NR0B1-related disorder.

Submission:

PreventionGenetics, part of Exact Sciences
Classification: Uncertain significance for NR0B1-related condition. Last evaluated: 2024-03-25. Review status: no assertion criteria provided. Collection method: clinical testing. Allele origin: germline.
Comment: The NR0B1 c.154G>A variant is predicted to result in the amino acid substitution p.Glu52Lys. To our knowledge, this variant has not been reported in the literature. This variant is reported in 0.0013% of alleles in individuals of European (Non-Finnish) descent in gnomAD. At this time, the clinical significance of this variant is uncertain due to the absence of conclusive functional and genetic evidence.

NM_000475.5(NR0B1):c.154G>A (p.Glu52Lys)

Gene: NR0B1 (nuclear receptor subfamily 0 group B member 1; minus strand). Cytogenetic location: Xp21.2.
Variant type: single nucleotide variant.
Coding change: c.154G>A on transcript NM_000475.5 (MANE Select); coding-DNA position 154, G replaced by A.
Protein change: p.Glu52Lys; replaces glutamic acid 52 with lysine.
Molecular consequence: missense variant.
Genome position (GRCh38, 1-based): chrX:30,309,210, C>T on the plus strand (G>A on the coding strand, the complement: NR0B1 is on the minus strand). VCF-style: chrX-30309210-C-T. GRCh37 (hg19) VCF-style: chrX-30327327-C-T.
Other names: short protein forms E52K.
Identifiers: ClinVar variation 3354374 (VCV003354374.1).
Genomic context (GRCh38, chrX:30,309,210, plus strand): 5'-CTTTACCGCAAAAGCAGCAGCGGTACAGGAGCGCCACGTTCCGCCCGCCCAGCAGCCCCT[C>T]TCTGCCCACCCCGGGCTCATCGCCGCACGAACAGCCCCAGCACTGATCCACCAGCCGCGT-3'
Protein context (NP_000466.2, residues 42-62): SCGDEPGVGR[Glu52Lys]GLLGGRNVAL